The following is an entry in ClinVar:

NM_002242.4(KCNJ13):c.146T>C (p.Met49Thr)

Genes: GIGYF2 (GRB10 interacting GYF protein 2; plus strand), KCNJ13 (potassium inwardly rectifying channel subfamily J member 13; minus strand). Cytogenetic location: 2q37.1.
Variant type: single nucleotide variant.
Coding change: c.146T>C on transcript NM_002242.4 (MANE Select); coding-DNA position 146, T replaced by C.
Protein change: p.Met49Thr; replaces methionine 49 with threonine.
Molecular consequence: missense variant. On other transcripts: intron variant (5).
Genome position (GRCh38, 1-based): chr2:232,771,217, A>G on the plus strand (T>C on the coding strand, the complement: KCNJ13 is on the minus strand). VCF-style: chr2-232771217-A-G. GRCh37 (hg19) VCF-style: chr2-233635927-A-G.
Other names: c.146T>C, p.Met49Thr (NM_001172416.1); c.532+9781A>G (NM_001103146.3, NM_015575.4, NM_001103148.2); c.533-5195A>G (NM_001103147.2); c.-23-72T>C (NM_001172417.1); short protein forms M49T.
Identifiers: ClinVar variation 1947139 (VCV001947139.6), dbSNP rs771136440, ClinGen allele CA2170079.

ClinVar aggregate classification (germline): Uncertain significance. Review status: criteria provided, multiple submitters, no conflicts (2 of 4 stars). 2 submissions from 2 submitters: Uncertain significance (2). Last evaluated 2023-12-17.

Allele frequency attached by ClinVar (database versions not stated): ExAC 0.00001; gnomAD exomes 0.00001.
gnomAD v4.1: 8 of 1,612,240 alleles (0.0005%); highest among the groups gnomAD compares: Middle Eastern, 0.017%; no homozygotes.

Submissions (2):

Ambry Genetics
Classification: Uncertain significance. Last evaluated: 2023-12-17. Review status: criteria provided, single submitter. Criteria: Ambry Variant Classification Scheme 2023. Collection method: clinical testing. Allele origin: germline.

Labcorp Genetics (formerly Invitae), Labcorp
Classification: Uncertain significance. Last evaluated: 2022-07-06. Review status: criteria provided, single submitter. Criteria: Invitae Variant Classification Sherloc (09022015). Collection method: clinical testing. Allele origin: germline.
Comment: This sequence change replaces methionine, which is neutral and non-polar, with threonine, which is neutral and polar, at codon 49 of the KCNJ13 protein (p.Met49Thr). This variant is present in population databases (rs771136440, gnomAD 0.006%). This variant has not been reported in the literature in individuals affected with KCNJ13-related conditions. Algorithms developed to predict the effect of missense changes on protein structure and function are either unavailable or do not agree on the potential impact of this missense change (SIFT: "Deleterious"; PolyPhen-2: "Benign"; Align-GVGD: "Class C25"). In summary, the available evidence is currently insufficient to determine the role of this variant in disease. Therefore, it has been classified as a Variant of Uncertain Significance.